The following is an entry in ClinVar:

NM_033028.5(BBS4):c.693T>G (p.Tyr231Ter)

Gene: BBS4 (Bardet-Biedl syndrome 4; plus strand). Cytogenetic location: 15q24.1.
Variant type: single nucleotide variant.
Coding change: c.693T>G on transcript NM_033028.5 (MANE Select); coding-DNA position 693, T replaced by G.
Protein change: p.Tyr231Ter; replaces tyrosine 231 with a stop codon.
Molecular consequence: nonsense. On other transcripts: non-coding transcript variant (2), intron variant (1).
Genome position (GRCh38, 1-based): chr15:72,729,666, T>G. VCF-style: chr15-72729666-T-G. GRCh37 (hg19) VCF-style: chr15-73022007-T-G.
Other names: c.177T>G, p.Tyr59Ter (NM_001252678.2); c.643-1639T>G (NM_001320665.2); short protein forms Y59*, Y231*.
Identifiers: ClinVar variation 3577639 (VCV003577639.3).

ClinVar aggregate classification (germline): Likely pathogenic. Review status: criteria provided, multiple submitters, no conflicts (2 of 4 stars). 2 submissions from 2 submitters: Likely pathogenic (2). Last evaluated 2024-03-28.

Conditions:
Bardet-Biedl syndrome 4 (BBS4). Identifiers: Orphanet 110, MedGen C2936864, MONDO:0014433, OMIM 615982.

Submissions (2):

Fulgent Genetics
Classification: Likely pathogenic for Bardet-Biedl syndrome 4. Last evaluated: 2024-03-28. Review status: criteria provided, single submitter. Criteria: ACMG Guidelines, 2015. Collection method: clinical testing. Allele origin: germline.

Juno Genomics, Hangzhou Juno Genomics, Inc
Classification: Likely pathogenic for Bardet-Biedl syndrome 4. Review status: criteria provided, single submitter. Criteria: ACMG Guidelines, 2015. Collection method: clinical testing. Allele origin: germline.
Comment: Absent from controls (or at extremely low frequency if recessive) in Genome Aggregation Database.;Null variant in a gene where loss of function (LOF) is a known mechanism of disease.